The following is an entry in ClinVar:

ClinVar aggregate classification (germline): Pathogenic (1 of 4 stars; one submission).

Conditions:
Intellectual developmental disorder, autosomal dominant 52. Also called: Intellectual disability, autosomal dominant 52; Mental retardation, autosomal dominant 52. Identifiers: MedGen C4540478, MONDO:0030918, OMIM 617796.

Submission:

Women's Health and Genetics/Laboratory Corporation of America, LabCorp
Classification: Pathogenic for Intellectual developmental disorder, autosomal dominant 52. Last evaluated: 2025-10-14. Review status: criteria provided, single submitter. Criteria: LabCorp Variant Classification Summary - May 2015. Collection method: clinical testing. Allele origin: germline.
Comment: Variant summary: ASH1L c.3576_3577delTA (p.His1192GlnfsX2) results in a premature termination codon, predicted to cause a truncation of the encoded protein or absence of the protein due to nonsense mediated decay, which are commonly known mechanisms for disease. The variant was absent in 250824 control chromosomes. c.3576_3577delTA has been observed de novo in individual(s) affected with Intellectual Disability (internal_testing). To our knowledge, no experimental evidence demonstrating an impact on protein function has been reported. No submitters have cited clinical-significance assessments for this variant to ClinVar. Based on the evidence outlined above, the variant was classified as pathogenic.

NM_018489.3(ASH1L):c.3576_3577del (p.His1192fs)

Gene: ASH1L (ASH1 like histone lysine methyltransferase; minus strand). Cytogenetic location: 1q22.
Variant type: Deletion.
Coding change: c.3576_3577del on transcript NM_018489.3 (MANE Select); coding-DNA positions 3576 to 3577, 2 bases deleted (TA; older notation c.3576_3577delTA).
Protein change: p.His1192fs; shifts the reading frame from histidine 1192.
Molecular consequence: frameshift variant.
Genome position (GRCh38, 1-based): chr1:155,479,293-155,479,294, TA deleted on the plus strand (TA on the coding strand, the reverse complement: ASH1L is on the minus strand); deleting any 2 consecutive bases within chr1:155,479,293-155,479,295 gives the same sequence; the c. name uses the placement nearest the transcript's 3' end. VCF-style (leftmost placement, unchanged base first): chr1-155479292-CTA-C. GRCh37 (hg19) VCF-style: chr1-155449083-CTA-C.
Other names: c.3576_3577del, p.His1192fs (NM_001366177.2); c.3576_3577delTA (NM_018489.3); short protein forms H1192fs.
Identifiers: ClinVar variation 4687319 (VCV004687319.1).